The following is an entry in ClinVar:

NM_000553.6(WRN):c.4084G>A (p.Gly1362Arg)

Gene: WRN (WRN RecQ like helicase; plus strand). Cytogenetic location: 8p12.
Variant type: single nucleotide variant.
Coding change: c.4084G>A on transcript NM_000553.6 (MANE Select); coding-DNA position 4084, G replaced by A.
Protein change: p.Gly1362Arg; replaces glycine 1362 with arginine.
Molecular consequence: missense variant.
Genome position (GRCh38, 1-based): chr8:31,167,123, G>A. VCF-style: chr8-31167123-G-A. GRCh37 (hg19) VCF-style: chr8-31024639-G-A.
Other names: short protein forms G1362R.
Identifiers: ClinVar variation 567207 (VCV000567207.9), dbSNP rs780229859, ClinGen allele CA4705258.
Genomic context (GRCh38, chr8:31,167,123, plus strand): 5'-AACATTGACACGTACCTTATCCACATGGCAATTGAGATCCTTAAACATGGTCCTGACAGC[G>A]GACTTCAACCTTCATGTGATGTCAACAAAAGGAGATGTTTTCCCGGTTCTGAAGAGATCT-3'
Protein context (NP_000544.2, residues 1352-1372): IEILKHGPDS[Gly1362Arg]LQPSCDVNKR

ClinVar aggregate classification (germline): Uncertain significance (1 of 4 stars; one submission).

Conditions:
Werner syndrome (WRN). Identifiers: Orphanet 902, MedGen C0043119, MONDO:0010196, OMIM 277700.

Allele frequency attached by ClinVar (database versions not stated): gnomAD 0.00001; gnomAD exomes 0.00001 and 0.00002; TOPMed 0.00001; ExAC 0.00002.
gnomAD v4.1: 19 of 1,613,154 alleles (0.0012%); highest among the groups gnomAD compares: South Asian, 0.0077%; no homozygotes.

Submission:

Labcorp Genetics (formerly Invitae), Labcorp
Classification: Uncertain significance for Werner syndrome. Last evaluated: 2024-07-29. Review status: criteria provided, single submitter. Criteria: Invitae Variant Classification Sherloc (09022015). Collection method: clinical testing. Allele origin: germline.
Comment: This sequence change replaces glycine, which is neutral and non-polar, with arginine, which is basic and polar, at codon 1362 of the WRN protein (p.Gly1362Arg). This variant is present in population databases (rs780229859, gnomAD 0.003%). This variant has not been reported in the literature in individuals affected with WRN-related conditions. ClinVar contains an entry for this variant (Variation ID: 567207). An algorithm developed to predict the effect of missense changes on protein structure and function outputs the following: PolyPhen-2: "Benign". The arginine amino acid residue is found in multiple mammalian species, which suggests that this missense change does not adversely affect protein function. In summary, the available evidence is currently insufficient to determine the role of this variant in disease. Therefore, it has been classified as a Variant of Uncertain Significance.